The following is an entry in ClinVar:

ClinVar aggregate classification (germline): Uncertain significance. Review status: criteria provided, multiple submitters, no conflicts (2 of 4 stars). 2 submissions from 2 submitters: Uncertain significance (2). Last evaluated 2025-11-11.

Conditions:
Hereditary cancer-predisposing syndrome. Also called: Tumor predisposition; Neoplastic Syndromes, Hereditary; Hereditary neoplastic syndrome; Hereditary Cancer Syndrome. Identifiers: Orphanet 140162, MedGen C0027672, MeSH D009386, MONDO:0015356.
Tietz syndrome (TADS). Also called: ALBINISM-DEAFNESS OF TIETZ; HYPOPIGMENTATION/DEAFNESS OF TIETZ; TIETZ ALBINISM-DEAFNESS SYNDROME. Identifiers: Orphanet 42665, MedGen C0391816, MONDO:0007077, OMIM 103500.
Waardenburg syndrome type 2A (WS2A). Also called: WAARDENBURG SYNDROME WITHOUT DYSTOPIA CANTHORUM. Identifiers: Orphanet 3440, MedGen C1860339, MONDO:0008671, OMIM 193510.
Melanoma, cutaneous malignant, susceptibility to, 8. Also called: MELANOMA AND RENAL CELL CARCINOMA, SUSCEPTIBILITY TO; Cutaneous malignant melanoma 8. Identifiers: Orphanet 293822, MedGen C3152204, MONDO:0013759, OMIM 614456.

gnomAD v4.1: 1 of 1,614,008 alleles (0.000062%); highest among the groups gnomAD compares: Non-Finnish European, 0.000085%; no homozygotes.

Submissions (2):

Labcorp Genetics (formerly Invitae), Labcorp
Classification: Uncertain significance for Melanoma, cutaneous malignant, susceptibility to, 8; Waardenburg syndrome type 2A; Tietz syndrome. Last evaluated: 2025-11-11. Review status: criteria provided, single submitter. Criteria: Invitae Variant Classification Sherloc (09022015). Collection method: clinical testing. Allele origin: germline.
Comment: This sequence change replaces aspartic acid, which is acidic and polar, with glutamic acid, which is acidic and polar, at codon 334 of the MITF protein (p.Asp334Glu). This variant is not present in population databases (gnomAD no frequency). This variant has not been reported in the literature in individuals affected with MITF-related conditions. ClinVar contains an entry for this variant (Variation ID: 4108322). Invitae Evidence Modeling of protein sequence and biophysical properties (such as structural, functional, and spatial information, amino acid conservation, physicochemical variation, residue mobility, and thermodynamic stability) indicates that this missense variant is not expected to disrupt MITF protein function with a negative predictive value of 80%. In summary, the available evidence is currently insufficient to determine the role of this variant in disease. Therefore, it has been classified as a Variant of Uncertain Significance.

Ambry Genetics
Classification: Uncertain significance for Hereditary cancer-predisposing syndrome. Last evaluated: 2025-09-14. Review status: criteria provided, single submitter. Criteria: Ambry Variant Classification Scheme 2023. Collection method: clinical testing. Allele origin: germline.
Comment: The p.D334E variant (also known as c.1002C>A), located in coding exon 9 of the MITF gene, results from a C to A substitution at nucleotide position 1002. The aspartic acid at codon 334 is replaced by glutamic acid, an amino acid with highly similar properties. This amino acid position is conserved. In addition, this alteration is predicted to be tolerated by in silico analysis. Based on the available evidence, the clinical significance of this variant remains unclear.

NM_001354604.2(MITF):c.1323C>A (p.Asp441Glu)

Gene: MITF (melanocyte inducing transcription factor; plus strand). Cytogenetic location: 3p13.
Variant type: single nucleotide variant.
Coding change: c.1323C>A on transcript NM_001354604.2 (MANE Select); coding-DNA position 1323, C replaced by A.
Protein change: p.Asp441Glu; replaces aspartic acid 441 with glutamic acid.
Molecular consequence: missense variant.
Genome position (GRCh38, 1-based): chr3:69,964,990, C>A. VCF-style: chr3-69964990-C-A. GRCh37 (hg19) VCF-style: chr3-70014141-C-A.
Other names: c.1257C>A, p.Asp419Glu (NM_198177.3); c.816C>A, p.Asp272Glu (NM_198178.3); c.1302C>A, p.Asp434Glu (NM_001354606.2, NM_006722.3); c.1254C>A, p.Asp418Glu (NM_001354607.2); c.1149C>A, p.Asp383Glu (NM_001354608.2, NM_001184967.2); c.984C>A, p.Asp328Glu (NM_198158.3); c.1305C>A, p.Asp435Glu (NM_198159.3); c.1002C>A, p.Asp334Glu (NM_000248.4); and 1 more; short protein forms D334E, D383E, D440E, D272E, D419E, D418E, D434E, D328E.
Identifiers: ClinVar variation 4108322 (VCV004108322.2).